The following is an entry in ClinVar:

ClinVar aggregate classification (germline): Benign (1 of 4 stars; one submission).

Conditions:
Fleck corneal dystrophy (CFD). Also called: CORNEAL DYSTROPHY, FRANCOIS-NEETENS SPECKLED OR FLECKED. Identifiers: Orphanet 98970, MedGen C1562113, MONDO:0007376, OMIM 121850.

Allele frequency attached by ClinVar (database versions not stated): gnomAD 0.00001 and 0.00007; TOPMed 0.00002; gnomAD exomes 0.00006 and 0.00007; ExAC 0.00007; 1000 Genomes Project 30x 0.00078; 1000 Genomes Project 0.00100.
gnomAD v4.1: 109 of 1,603,804 alleles (0.0068%); highest among the groups gnomAD compares: East Asian, 0.22%; 1 homozygote.

Submission:

Illumina Laboratory Services, Illumina
Classification: Benign for Fleck corneal dystrophy. Last evaluated: 2018-01-13. Review status: criteria provided, single submitter. Criteria: ICSL Variant Classification Criteria 13 December 2019. Collection method: clinical testing. Allele origin: germline.
Comment: This variant was observed in the ICSL laboratory as part of a predisposition screen in an ostensibly healthy population. It had not been previously curated by ICSL or reported in the Human Gene Mutation Database (HGMD: prior to June 1st, 2018), and was therefore a candidate for classification through an automated scoring system. Utilizing variant allele frequency, disease prevalence and penetrance estimates, and inheritance mode, an automated score was calculated to assess if this variant is too frequent to cause the disease. Based on the score and internal cut-off values, a variant classified as benign is not then subjected to further curation. The score for this variant resulted in a classification of benign for this disease.

NM_015040.4(PIKFYVE):c.4932-13A>C

Gene: PIKFYVE (phosphoinositide kinase, FYVE-type zinc finger containing; plus strand). Cytogenetic location: 2q34.
Variant type: single nucleotide variant.
Coding change: c.4932-13A>C on transcript NM_015040.4 (MANE Select); 13 bases into the intron before coding-DNA position 4932, A replaced by C.
Molecular consequence: intron variant.
Genome position (GRCh38, 1-based): chr2:208,342,541, A>C. VCF-style: chr2-208342541-A-C. GRCh37 (hg19) VCF-style: chr2-209207265-A-C.
Identifiers: ClinVar variation 897401 (VCV000897401.4), dbSNP rs186801100, ClinGen allele CA2080483.